The following is an entry in ClinVar:

ClinVar aggregate classification (germline): Conflicting classifications of pathogenicity. Review status: criteria provided, conflicting classifications (1 of 4 stars). 3 submissions from 3 submitters: Uncertain significance (1); Likely benign (2). Last evaluated 2025-09-12.

Conditions:
Predisposition to invasive fungal disease due to CARD9 deficiency (IMD103). Also called: IMMUNODEFICIENCY 103, SUSCEPTIBILITY TO FUNGAL INFECTIONS; CARD9 IMMUNODEFICIENCY; Candidiasis, familial, 2, autosomal recessive. Identifiers: Orphanet 457088, MedGen C1859353, MONDO:0008905, OMIM 212050.

Submissions (3):

Mayo Clinic Laboratories, Mayo Clinic
Classification: Likely benign. Last evaluated: 2025-09-12. Review status: criteria provided, single submitter. Criteria: ACMG Guidelines, 2015. Collection method: clinical testing. Allele origin: germline. Observed: 1 variant allele.
Comment: BP4, BP7, PM2_supporting

Dasa
Classification: Uncertain significance. Last evaluated: 2024-11-28. Review status: criteria provided, single submitter. Criteria: DASA Assertion Criteria. Collection method: clinical testing. Allele origin: germline.
Comment: NM_052813.5(CARD9):c.951+9_951+17delinsA is a splice-region variant. This variant is absent from population databases. Computational prediction algorithms are consistent with a benign effect. The currently available literature and clinical evidence are not sufficient to establish a definitive association between this variant and the reported condition. Therefore, this variant is classified as a variant of uncertain significance.

Labcorp Genetics (formerly Invitae), Labcorp
Classification: Likely benign for Predisposition to invasive fungal disease due to CARD9 deficiency. Last evaluated: 2022-08-15. Review status: criteria provided, single submitter. Criteria: Invitae Variant Classification Sherloc (09022015). Collection method: clinical testing. Allele origin: germline.

NM_052813.5(CARD9):c.951+9_951+17delinsA

Gene: CARD9 (caspase recruitment domain family member 9; minus strand). Cytogenetic location: 9q34.3.
Variant type: Indel.
Coding change: c.951+9_951+17delinsA on transcript NM_052813.5 (MANE Select); bases 9 to 17 of the intron after coding-DNA position 951, GCAGGCGGG replaced by A.
Molecular consequence: intron variant.
Genome position (GRCh38, 1-based): chr9:136,370,277-136,370,285, CCCGCCTGC replaced by T on the plus strand (GCAGGCGGG replaced by A on the coding strand, the reverse complement: CARD9 is on the minus strand). VCF-style: chr9-136370277-CCCGCCTGC-T. GRCh37 (hg19) VCF-style: chr9-139264729-CCCGCCTGC-T.
Other names: c.951+9_951+17delinsA (NM_052814.4).
Identifiers: ClinVar variation 3010195 (VCV003010195.6), dbSNP rs2538667053, ClinGen allele CA2740092940.